The following is an entry in ClinVar:

NM_017777.4(MKS1):c.1127C>T (p.Thr376Met)

Gene: MKS1 (MKS transition zone complex subunit 1; minus strand). Cytogenetic location: 17q22.
Variant type: single nucleotide variant.
Coding change: c.1127C>T on transcript NM_017777.4 (MANE Select); coding-DNA position 1127, C replaced by T.
Protein change: p.Thr376Met; replaces threonine 376 with methionine.
Molecular consequence: missense variant.
Genome position (GRCh38, 1-based): chr17:58,208,143, G>A on the plus strand (C>T on the coding strand, the complement: MKS1 is on the minus strand). VCF-style: chr17-58208143-G-A. GRCh37 (hg19) VCF-style: chr17-56285504-G-A.
Other names: c.518C>T, p.Thr173Met (NM_001321268.2); c.1127C>T, p.Thr376Met (NM_001321269.2, NM_001330397.2); short protein forms T376M, T173M.
Identifiers: ClinVar variation 965044 (VCV000965044.10), dbSNP rs200350173, ClinGen allele CA8669255.

ClinVar aggregate classification (germline): Uncertain significance. Review status: criteria provided, multiple submitters, no conflicts (2 of 4 stars). 3 submissions from 3 submitters: Uncertain significance (2). 1 of the submissions does not count toward it. Last evaluated 2025-02-07.

Conditions:
Inborn genetic diseases. Identifiers: MedGen C0950123, MeSH D030342.
Meckel-Gruber syndrome. Also called: Dysencephalia splachnocystica; DYSENCEPHALIA SPLANCHNOCYSTICA; GRUBER SYNDROME. Identifiers: Orphanet 564, MedGen C0265215, MONDO:0018921.
Joubert syndrome. Also called: Familial aplasia of the vermis; CEREBELLOPARENCHYMAL DISORDER IV; JOUBERT-BOLTSHAUSER SYNDROME. Identifiers: Orphanet 475, MedGen C5979921, MONDO:0018772.
Meckel syndrome, type 1 (MKS1). Also called: MECKEL-GRUBER SYNDROME, TYPE 1. Identifiers: Orphanet 564, MedGen C3714506, MONDO:0009571, OMIM 249000.

Allele frequency attached by ClinVar (database versions not stated): gnomAD exomes below 0.00001; ExAC 0.00001; gnomAD 0.00001; TOPMed 0.00002.
gnomAD v4.1: 9 of 1,613,730 alleles (0.00056%); highest among the groups gnomAD compares: Middle Eastern, 0.016%; no homozygotes.

Submissions (3):

Ambry Genetics
Classification: Uncertain significance for Inborn genetic diseases. Last evaluated: 2025-02-07. Review status: criteria provided, single submitter. Criteria: Ambry Variant Classification Scheme 2023. Collection method: clinical testing. Allele origin: germline.

Labcorp Genetics (formerly Invitae), Labcorp
Classification: Uncertain significance for Joubert syndrome; Meckel-Gruber syndrome. Last evaluated: 2023-07-17. Review status: criteria provided, single submitter. Criteria: Invitae Variant Classification Sherloc (09022015). Collection method: clinical testing. Allele origin: germline.
Comment: In summary, the available evidence is currently insufficient to determine the role of this variant in disease. Therefore, it has been classified as a Variant of Uncertain Significance. Advanced modeling of protein sequence and biophysical properties (such as structural, functional, and spatial information, amino acid conservation, physicochemical variation, residue mobility, and thermodynamic stability) has been performed at Invitae for this missense variant, however the output from this modeling did not meet the statistical confidence thresholds required to predict the impact of this variant on MKS1 protein function. ClinVar contains an entry for this variant (Variation ID: 965044). This variant has not been reported in the literature in individuals affected with MKS1-related conditions. This variant is present in population databases (rs200350173, gnomAD 0.0009%). This sequence change replaces threonine, which is neutral and polar, with methionine, which is neutral and non-polar, at codon 376 of the MKS1 protein (p.Thr376Met).

Natera, Inc.
Classification: Uncertain significance for Meckel syndrome type 1. Last evaluated: 2020-07-08. Review status: no assertion criteria provided. Collection method: clinical testing. Allele origin: germline. Not counted in ClinVar's aggregate classification.